The following is an entry in ClinVar:

ClinVar aggregate classification (germline): Uncertain significance. Review status: criteria provided, multiple submitters, no conflicts (2 of 4 stars). 4 submissions from 4 submitters: Uncertain significance (4). Last evaluated 2024-11-07.

Conditions:
Interstitial lung disease 2 (ILD2). Also called: FIBROCYSTIC PULMONARY DYSPLASIA; FIBROSING ALVEOLITIS, CRYPTOGENIC; Familial idiopathic pulmonary fibrosis. Identifiers: Orphanet 2032, Orphanet 79126, MedGen C5561926, MONDO:0800497, OMIM 178500, MONDO:0800029.
Interstitial lung disease due to ABCA3 deficiency. Also called: PULMONARY ALVEOLAR PROTEINOSIS, CONGENITAL, 3. Identifiers: Orphanet 440402, MedGen C1970456, MONDO:0012582, OMIM 610921.

Allele frequency attached by ClinVar (database versions not stated): gnomAD 0.00009 and 0.00011; TOPMed 0.00016; gnomAD exomes 0.00017 and 0.00021; ESP Exome Variant Server 0.00023; ExAC 0.00046.
gnomAD v4.1: 266 of 1,610,576 alleles (0.017%); highest among the groups gnomAD compares: Non-Finnish European, 0.021%; no homozygotes.

Submissions (4):

Blueprint Genetics
Classification: Uncertain significance. Last evaluated: 2024-11-07. Review status: criteria provided, single submitter. Criteria: ACMG Guidelines, 2015. Collection method: clinical testing. Allele origin: germline.

Labcorp Genetics (formerly Invitae), Labcorp
Classification: Uncertain significance. Last evaluated: 2024-09-20. Review status: criteria provided, single submitter. Criteria: Invitae Variant Classification Sherloc (09022015). Collection method: clinical testing. Allele origin: germline.
Comment: This sequence change replaces serine, which is neutral and polar, with isoleucine, which is neutral and non-polar, at codon 1157 of the ABCA3 protein (p.Ser1157Ile). This variant is present in population databases (rs141635976, gnomAD 0.04%). This variant has not been reported in the literature in individuals affected with ABCA3-related conditions. ClinVar contains an entry for this variant (Variation ID: 318413). Invitae Evidence Modeling of protein sequence and biophysical properties (such as structural, functional, and spatial information, amino acid conservation, physicochemical variation, residue mobility, and thermodynamic stability) indicates that this missense variant is not expected to disrupt ABCA3 protein function with a negative predictive value of 80%. In summary, the available evidence is currently insufficient to determine the role of this variant in disease. Therefore, it has been classified as a Variant of Uncertain Significance.

Alder lab, University of Pittsburgh
Classification: Uncertain significance for Interstitial lung disease 2. Last evaluated: 2022-08-01. Review status: criteria provided, single submitter. Criteria: ACMG Guidelines, 2015. Collection method: research. Allele origin: germline. Affected: yes.

Illumina Laboratory Services, Illumina
Classification: Uncertain significance for Interstitial lung disease due to ABCA3 deficiency. Last evaluated: 2018-01-13. Review status: criteria provided, single submitter. Criteria: ICSL Variant Classification Criteria 13 December 2019. Collection method: clinical testing. Allele origin: germline.

NM_001089.3(ABCA3):c.3470G>T (p.Ser1157Ile)

Gene: ABCA3 (ATP binding cassette subfamily A member 3; minus strand). Cytogenetic location: 16p13.3.
Variant type: single nucleotide variant.
Coding change: c.3470G>T on transcript NM_001089.3 (MANE Select); coding-DNA position 3470, G replaced by T.
Protein change: p.Ser1157Ile; replaces serine 1157 with isoleucine.
Molecular consequence: missense variant.
Genome position (GRCh38, 1-based): chr16:2,285,455, C>A on the plus strand (G>T on the coding strand, the complement: ABCA3 is on the minus strand). VCF-style: chr16-2285455-C-A. GRCh37 (hg19) VCF-style: chr16-2335456-C-A.
Other names: short protein forms S1157I.
Identifiers: ClinVar variation 318413 (VCV000318413.8), dbSNP rs141635976, ClinGen allele CA7840511.